The following is an entry in ClinVar:

NM_198576.4(AGRN):c.3370G>C (p.Glu1124Gln)

Gene: AGRN (agrin; plus strand). Cytogenetic location: 1p36.33.
Variant type: single nucleotide variant.
Coding change: c.3370G>C on transcript NM_198576.4 (MANE Select); coding-DNA position 3370, G replaced by C.
Protein change: p.Glu1124Gln; replaces glutamic acid 1124 with glutamine.
Molecular consequence: missense variant.
Genome position (GRCh38, 1-based): chr1:1,046,939, G>C. VCF-style: chr1-1046939-G-C. GRCh37 (hg19) VCF-style: chr1-982319-G-C.
Other names: c.3370G>C, p.Glu1124Gln (NM_001305275.2); c.3055G>C, p.Glu1019Gln (NM_001364727.2); c.3370G>C (NM_198576.3); short protein forms E1019Q, E1124Q.
Identifiers: ClinVar variation 2165362 (VCV002165362.5), dbSNP rs367954671, ClinGen allele CA509031.

ClinVar aggregate classification (germline): Uncertain significance. Review status: criteria provided, multiple submitters, no conflicts (2 of 4 stars). 2 submissions from 2 submitters: Uncertain significance (2). Last evaluated 2024-12-12.

Conditions:
Inborn genetic diseases. Identifiers: MedGen C0950123, MeSH D030342.
Congenital myasthenic syndrome 8. Also called: Myasthenic syndrome, congenital, 8, with pre- and postsynaptic defects; MYASTHENIC SYNDROME, CONGENITAL, DUE TO AGRIN DEFICIENCY. Identifiers: Orphanet 590, MedGen C3808739, MONDO:0014052, OMIM 615120.

Allele frequency attached by ClinVar (database versions not stated): gnomAD 0.00001; gnomAD exomes 0.00001; TOPMed 0.00001; ESP Exome Variant Server 0.00008.
gnomAD v4.1: 5 of 1,580,242 alleles (0.00032%); highest among the groups gnomAD compares: South Asian, 0.0012%; no homozygotes.

Submissions (2):

Ambry Genetics
Classification: Uncertain significance for Inborn genetic diseases. Last evaluated: 2024-12-12. Review status: criteria provided, single submitter. Criteria: Ambry Variant Classification Scheme 2023. Collection method: clinical testing. Allele origin: germline.

Labcorp Genetics (formerly Invitae), Labcorp
Classification: Uncertain significance for Congenital myasthenic syndrome 8. Last evaluated: 2022-07-12. Review status: criteria provided, single submitter. Criteria: Invitae Variant Classification Sherloc (09022015). Collection method: clinical testing. Allele origin: germline.
Comment: This variant has not been reported in the literature in individuals affected with AGRN-related conditions. In summary, the available evidence is currently insufficient to determine the role of this variant in disease. Therefore, it has been classified as a Variant of Uncertain Significance. Algorithms developed to predict the effect of missense changes on protein structure and function are either unavailable or do not agree on the potential impact of this missense change (SIFT: "Deleterious"; PolyPhen-2: "Benign"; Align-GVGD: "Class C0"). This variant is present in population databases (rs367954671, gnomAD 0.002%). This sequence change replaces glutamic acid, which is acidic and polar, with glutamine, which is neutral and polar, at codon 1124 of the AGRN protein (p.Glu1124Gln).